The following is an entry in ClinVar:

ClinVar aggregate classification (germline): Uncertain significance. Review status: criteria provided, multiple submitters, no conflicts (2 of 4 stars). 2 submissions from 2 submitters: Uncertain significance (2). Last evaluated 2025-01-27.

Conditions:
Inborn genetic diseases. Identifiers: MedGen C0950123, MeSH D030342.
Vici syndrome (VICIS). Identifiers: Orphanet 1493, MedGen C1855772, MONDO:0009452, OMIM 242840.

Allele frequency attached by ClinVar (database versions not stated): gnomAD exomes below 0.00001 and 0.00001; gnomAD 0.00002 and 0.00003; TOPMed 0.00002.
gnomAD v4.1: 8 of 1,614,044 alleles (0.0005%); highest among the groups gnomAD compares: African/African-American, 0.004%; no homozygotes.

Submissions (2):

Ambry Genetics
Classification: Uncertain significance for Inborn genetic diseases. Last evaluated: 2025-01-27. Review status: criteria provided, single submitter. Criteria: Ambry Variant Classification Scheme 2023. Collection method: clinical testing. Allele origin: germline.

Labcorp Genetics (formerly Invitae), Labcorp
Classification: Uncertain significance for Vici syndrome. Last evaluated: 2021-08-28. Review status: criteria provided, single submitter. Criteria: Invitae Variant Classification Sherloc (09022015). Collection method: clinical testing. Allele origin: germline.
Comment: This sequence change replaces arginine with histidine at codon 2504 of the EPG5 protein (p.Arg2504His). The arginine residue is highly conserved and there is a small physicochemical difference between arginine and histidine. This variant is not present in population databases (ExAC no frequency). This variant has not been reported in the literature in individuals affected with EPG5-related conditions. Algorithms developed to predict the effect of missense changes on protein structure and function are either unavailable or do not agree on the potential impact of this missense change (SIFT: "Deleterious"; PolyPhen-2: "Probably Damaging"; Align-GVGD: "Class C0"). In summary, the available evidence is currently insufficient to determine the role of this variant in disease. Therefore, it has been classified as a Variant of Uncertain Significance.

NM_020964.3(EPG5):c.7511G>A (p.Arg2504His)

Gene: EPG5 (ectopic P-granules 5 autophagy tethering factor; minus strand). Cytogenetic location: 18q12.3.
Variant type: single nucleotide variant.
Coding change: c.7511G>A on transcript NM_020964.3 (MANE Select); coding-DNA position 7511, G replaced by A.
Protein change: p.Arg2504His; replaces arginine 2504 with histidine.
Molecular consequence: missense variant.
Genome position (GRCh38, 1-based): chr18:45,855,619, C>T on the plus strand (G>A on the coding strand, the complement: EPG5 is on the minus strand). VCF-style: chr18-45855619-C-T. GRCh37 (hg19) VCF-style: chr18-43435584-C-T.
Other names: short protein forms R2504H.
Identifiers: ClinVar variation 961981 (VCV000961981.9), dbSNP rs979554550, ClinGen allele CA299688068.